The following is an entry in ClinVar:

ClinVar aggregate classification (germline): Pathogenic (1 of 4 stars; one submission).

Submission:

ISCA site 4
Classification: Pathogenic. Last evaluated: 2011-08-12. Review status: criteria provided, single submitter. Criteria: Kaminsky et al. (Genet Med. 2011). Collection method: clinical testing. Allele origin: unknown. Affected: yes. Observed: 1 variant allele.
Comment: Copy number variation identified through the course of routine clinical cytogenomic testing in postnatal populations. Clinical assertions have been curated as described in Kaminsky et al. 2011.

GRCh38/hg38 2q36.3-37.3(chr2:226978129-236886599)x1

Genes: ACKR3 (atypical chemokine receptor 3; plus strand), AGAP1 (ArfGAP with GTPase domain, ankyrin repeat and PH domain 1; plus strand), AGAP1-IT1 (AGAP1 intronic transcript 1; plus strand), AGFG1 (ArfGAP with FG repeats 1; plus strand), ALPG (alkaline phosphatase, germ cell; plus strand) and 390 more. Cytogenetic location: 2q36.3-37.3.
Variant type: copy number loss.
Change: copy number 1 (one copy instead of two) of chr2:226,978,129-236,886,599 (9.91 Mb, GRCh38 coordinates, 1-based), cytogenetic band 2q36.3-37.3.
Identifiers: ClinVar variation 58847 (VCV000058847.1).